The following is an entry in ClinVar:

NM_012330.4(KAT6B):c.2602G>A (p.Gly868Arg)

Gene: KAT6B (lysine acetyltransferase 6B; plus strand). Cytogenetic location: 10q22.2.
Variant type: single nucleotide variant.
Coding change: c.2602G>A on transcript NM_012330.4 (MANE Select); coding-DNA position 2602, G replaced by A.
Protein change: p.Gly868Arg; replaces glycine 868 with arginine.
Molecular consequence: missense variant.
Genome position (GRCh38, 1-based): chr10:74,989,085, G>A. VCF-style: chr10-74989085-G-A. GRCh37 (hg19) VCF-style: chr10-76748843-G-A.
Other names: c.2053G>A, p.Gly685Arg (NM_001256468.2, NM_001370138.1); c.1726G>A, p.Gly576Arg (NM_001256469.2, NM_001370139.1, NM_001370140.1 and 2 more transcripts); c.1564G>A, p.Gly522Arg (NM_001370132.1); c.1537G>A, p.Gly513Arg (NM_001370143.1, NM_001370144.1); c.913G>A, p.Gly305Arg (NM_001370133.1); c.517G>A, p.Gly173Arg (NM_001370134.1); c.259G>A, p.Gly87Arg (NM_001370135.1); c.2602G>A, p.Gly868Arg (NM_001370136.1, NM_001370137.1); short protein forms G522R, G868R, G173R, G513R, G576R, G685R, G305R, G87R.
Identifiers: ClinVar variation 5007740 (VCV005007740.2).

ClinVar aggregate classification (germline): Uncertain significance (1 of 4 stars; one submission).

Conditions:
Genitopatellar syndrome (GTPTS). Also called: Genitopatellar syndrome (GPS); ABSENT PATELLAE, SCROTAL HYPOPLASIA, RENAL ANOMALIES, FACIAL DYSMORPHISM, AND MENTAL RETARDATION. Identifiers: Orphanet 85201, MedGen C1853566, MONDO:0011640, OMIM 606170.
Blepharophimosis - intellectual disability syndrome, SBBYS type (SBBYSS). Also called: Say-Barber-Biesecker-Young-Simpson syndrome; Say-Barber-Biesecker variant of Ohdo syndrome (SBBYSS); Say-Barber-Biesecker-Young-Simpson variant of Ohdo Syndrome; Ohdo syndrome, SBBYS variant; Young Simpson syndrome; Mental retardation unusual facies hypothyroidism. Identifiers: Orphanet 3047, MedGen C1863557, MONDO:0011365, OMIM 603736.

Submission:

Juno Genomics, Hangzhou Juno Genomics, Inc
Classification: Uncertain significance for Genitopatellar syndrome; Blepharophimosis - intellectual disability syndrome, SBBYS type. Review status: criteria provided, single submitter. Criteria: ACMG Guidelines, 2015. Collection method: clinical testing. Allele origin: germline.
Comment: Missense variant in a gene that has a low rate of benign missense variation.;Multiple lines of computational evidence support a deleterious effect on the gene or gene product.;Absent from controls (or at extremely low frequency if recessive) in Genome Aggregation Database.